The following is an entry in ClinVar:

ClinVar aggregate classification (germline): Uncertain significance (1 of 4 stars; one submission).

Conditions:
Immunodeficiency 37 (IMD37). Identifiers: MedGen C4015195, MONDO:0014491, OMIM 616098.

Submission:

Labcorp Genetics (formerly Invitae), Labcorp
Classification: Uncertain significance for Immunodeficiency 37. Last evaluated: 2022-11-22. Review status: criteria provided, single submitter. Criteria: Invitae Variant Classification Sherloc (09022015). Collection method: clinical testing. Allele origin: germline.
Comment: In summary, the available evidence is currently insufficient to determine the role of this variant in disease. Therefore, it has been classified as a Variant of Uncertain Significance. Algorithms developed to predict the effect of sequence changes on RNA splicing suggest that this variant may disrupt the consensus splice site. Experimental studies and prediction algorithms are not available or were not evaluated, and the functional significance of this variant is currently unknown. This variant has not been reported in the literature in individuals affected with BCL10-related conditions. This variant is not present in population databases (gnomAD no frequency). This variant, c.360_362dup, results in the insertion of 1 amino acid(s) of the BCL10 protein (p.Ser121dup), but otherwise preserves the integrity of the reading frame.

NM_003921.5(BCL10):c.360_362dup (p.Ser121dup)

Gene: BCL10 (BCL10 immune signaling adaptor; minus strand). Cytogenetic location: 1p22.3.
Variant type: Duplication.
Coding change: c.360_362dup on transcript NM_003921.5 (MANE Select); coding-DNA positions 360 to 362, 3 bases duplicated (CAG; older notation c.360_362dupCAG).
Protein change: p.Ser121dup; duplicates serine 121.
Molecular consequence: inframe insertion. On other transcripts: intron variant (1).
Genome position (GRCh38, 1-based): chr1:85,267,967-85,267,969, CTG duplicated on the plus strand (CAG on the coding strand, the reverse complement: BCL10 is on the minus strand); duplicating any 3 consecutive bases within chr1:85,267,967-85,267,971 gives the same sequence; the c. name uses the placement nearest the transcript's 3' end. VCF-style (leftmost placement, unchanged base first): chr1-85267966-A-ACTG. GRCh37 (hg19) VCF-style: chr1-85733649-A-ACTG.
Other names: c.347-20_347-18dup (NM_001320715.2).
Identifiers: ClinVar variation 1042576 (VCV001042576.8), dbSNP rs773197133, ClinGen allele CA929756.
Genomic context (GRCh38, chr1:85,267,966, plus strand): 5'-ACTCTCATCTGAATTTGATCTGGAGAGGTTGTTCGTGGCTCCATCTGGAAAAGGTTCACA[A>ACTG]CTGCTACATTTTAGTCCTACAATAAAATTATTCAGATGTAAATGAAAAAGTAACTAAAAA-3'